The following is an entry in ClinVar:

ClinVar aggregate classification (germline): Conflicting classifications of pathogenicity. Review status: criteria provided, conflicting classifications (1 of 4 stars). 4 submissions from 4 submitters: Uncertain significance (2); Benign (1); Likely benign (1). Last evaluated 2025-09-15.

Conditions:
Charcot-Marie-Tooth disease type 4. Also called: Charcot-Marie-Tooth, Type 4; Charcot-Marie-Tooth disease, type IV. Identifiers: Orphanet 64749, MedGen C4082197, MONDO:0018995.
Inborn genetic diseases. Identifiers: MedGen C0950123, MeSH D030342.

Allele frequency attached by ClinVar (database versions not stated): TOPMed 0.00003; ESP Exome Variant Server 0.00008; 1000 Genomes Project 30x 0.00016; 1000 Genomes Project 0.00020; gnomAD exomes 0.00021 and 0.00052; gnomAD 0.00044 and 0.00046; ExAC 0.00045.
gnomAD v4.1: 371 of 1,614,218 alleles (0.023%); highest among the groups gnomAD compares: Non-Finnish European, 0.0081%; 1 homozygote.

Submissions (4):

Labcorp Genetics (formerly Invitae), Labcorp
Classification: Likely benign for Charcot-Marie-Tooth disease type 4. Last evaluated: 2025-09-15. Review status: criteria provided, single submitter. Criteria: Invitae Variant Classification Sherloc (09022015). Collection method: clinical testing. Allele origin: germline.

Athena Diagnostics
Classification: Benign. Last evaluated: 2025-01-29. Review status: criteria provided, single submitter. Criteria: Athena Diagnostics Criteria. Collection method: clinical testing. Allele origin: unknown.
Comment: The frequency of this variant in the general population is higher than would generally be expected for pathogenic variants in this gene.

Blueprint Genetics
Classification: Uncertain significance. Last evaluated: 2024-06-13. Review status: criteria provided, single submitter. Criteria: ACMG Guidelines, 2015. Collection method: clinical testing. Allele origin: germline.

Ambry Genetics
Classification: Uncertain significance for Inborn genetic diseases. Last evaluated: 2020-06-15. Review status: criteria provided, single submitter. Criteria: Ambry Variant Classification Scheme 2023. Collection method: clinical testing. Allele origin: germline.
Comment: The p.S1352G variant (also known as c.4054A>G), located in coding exon 30 of the SBF2 gene, results from an A to G substitution at nucleotide position 4054. The serine at codon 1352 is replaced by glycine, an amino acid with similar properties. This amino acid position is well conserved in available vertebrate species. In addition, this alteration is predicted to be deleterious by in silico analysis. Since supporting evidence is limited at this time, the clinical significance of this alteration remains unclear.

NM_030962.4(SBF2):c.4054A>G (p.Ser1352Gly)

Gene: SBF2 (SET binding factor 2; minus strand). Cytogenetic location: 11p15.4.
Variant type: single nucleotide variant.
Coding change: c.4054A>G on transcript NM_030962.4 (MANE Select); coding-DNA position 4054, A replaced by G.
Protein change: p.Ser1352Gly; replaces serine 1352 with glycine.
Molecular consequence: missense variant.
Genome position (GRCh38, 1-based): chr11:9,812,633, T>C on the plus strand (A>G on the coding strand, the complement: SBF2 is on the minus strand). VCF-style: chr11-9812633-T-C. GRCh37 (hg19) VCF-style: chr11-9834180-T-C.
Other names: c.4150A>G, p.Ser1384Gly (NM_001386339.1); c.3925A>G, p.Ser1309Gly (NM_001386342.1); short protein forms S1352G, S1309G, S1384G.
Identifiers: ClinVar variation 1457826 (VCV001457826.12), dbSNP rs201951073, ClinGen allele CA5881072.